The following is an entry in ClinVar:

NM_000975.5(RPL11):c.121G>T (p.Glu41Ter)

Gene: RPL11 (ribosomal protein L11; plus strand). Cytogenetic location: 1p36.11.
Variant type: single nucleotide variant.
Coding change: c.121G>T on transcript NM_000975.5 (MANE Select); coding-DNA position 121, G replaced by T.
Protein change: p.Glu41Ter; replaces glutamic acid 41 with a stop codon.
Molecular consequence: nonsense.
Genome position (GRCh38, 1-based): chr1:23,692,723, G>T. VCF-style: chr1-23692723-G-T. GRCh37 (hg19) VCF-style: chr1-24019213-G-T.
Other names: c.118G>T, p.Glu40Ter (NM_001199802.1); short protein forms E40*, E41*.
Identifiers: ClinVar variation 1069986 (VCV001069986.7), dbSNP rs2124429140, ClinGen allele CA338991852.

ClinVar aggregate classification (germline): Pathogenic (1 of 4 stars; one submission).

Conditions:
Diamond-Blackfan anemia. Also called: Aase syndrome; Blackfan Diamond syndrome; Aregenerative anemia chronic congenital; Red cell aplasia, pure hereditary; Congenital hypoplastic anemia. Identifiers: Orphanet 124, MedGen C1260899, MeSH D029503, MONDO:0015253, HP:0004810.

Submission:

Labcorp Genetics (formerly Invitae), Labcorp
Classification: Pathogenic for Diamond-Blackfan anemia. Last evaluated: 2020-08-31. Review status: criteria provided, single submitter. Criteria: Invitae Variant Classification Sherloc (09022015). Collection method: clinical testing. Allele origin: germline.
Comment: This sequence change creates a premature translational stop signal (p.Glu41*) in the RPL11 gene. It is expected to result in an absent or disrupted protein product. This variant is not present in population databases (ExAC no frequency). This variant has not been reported in the literature in individuals with RPL11-related conditions. Loss-of-function variants in RPL11 are known to be pathogenic (PMID: 19061985, 19773262). For these reasons, this variant has been classified as Pathogenic.

Literature cited by the submitters: PubMed 19061985; PubMed 19773262.